The following is an entry in ClinVar:

NM_170784.3(MKKS):c.1181del (p.Leu394fs)

Gene: MKKS (MKKS centrosomal shuttling protein; minus strand). Cytogenetic location: 20p12.2.
Variant type: Deletion.
Coding change: c.1181del on transcript NM_170784.3 (MANE Select); coding-DNA position 1181, one base deleted (T; older notation c.1181delT).
Protein change: p.Leu394fs; shifts the reading frame from leucine 394.
Molecular consequence: frameshift variant. On other transcripts: non-coding transcript variant (1).
Genome position (GRCh38, 1-based): chr20:10,407,707, A deleted on the plus strand (T on the coding strand, the reverse complement: MKKS is on the minus strand). VCF-style (leftmost placement, unchanged base first): chr20-10407706-CA-C. GRCh37 (hg19) VCF-style: chr20-10388354-CA-C.
Other names: c.1181del, p.Leu394fs (NM_018848.3); short protein forms L394fs.
Identifiers: ClinVar variation 1457348 (VCV001457348.6), dbSNP rs2122223967, ClinGen allele CA2573156828.

ClinVar aggregate classification (germline): Pathogenic (1 of 4 stars; one submission).

Conditions:
Bardet-Biedl syndrome (BBS). Identifiers: Orphanet 110, MedGen C0752166, MONDO:0015229.
McKusick-Kaufman syndrome (MKKS). Also called: HYDROMETROCOLPOS SYNDROME; HYDROMETROCOLPOS, POSTAXIAL POLYDACTYLY, AND CONGENITAL HEART MALFORMATION. Identifiers: Orphanet 2473, MedGen C0948368, MONDO:0009367, OMIM 236700.

Submission:

Labcorp Genetics (formerly Invitae), Labcorp
Classification: Pathogenic for McKusick-Kaufman syndrome; Bardet-Biedl syndrome. Last evaluated: 2023-07-10. Review status: criteria provided, single submitter. Criteria: Invitae Variant Classification Sherloc (09022015). Collection method: clinical testing. Allele origin: germline.
Comment: This sequence change creates a premature translational stop signal (p.Leu394Argfs*6) in the MKKS gene. It is expected to result in an absent or disrupted protein product. Loss-of-function variants in MKKS are known to be pathogenic (PMID: 11179009, 28761321, 30614526). This variant is not present in population databases (gnomAD no frequency). This variant has not been reported in the literature in individuals affected with MKKS-related conditions. ClinVar contains an entry for this variant (Variation ID: 1457348). For these reasons, this variant has been classified as Pathogenic.

Literature cited by the submitters: PubMed 11179009; PubMed 28761321; PubMed 30614526.